The following is an entry in ClinVar:

NM_000038.6(APC):c.4343C>G (p.Thr1448Ser)

Gene: APC (APC regulator of Wnt signaling pathway; plus strand). Cytogenetic location: 5q22.2.
Variant type: single nucleotide variant.
Coding change: c.4343C>G on transcript NM_000038.6 (MANE Select); coding-DNA position 4343, C replaced by G.
Protein change: p.Thr1448Ser; replaces threonine 1448 with serine.
Molecular consequence: missense variant.
Genome position (GRCh38, 1-based): chr5:112,839,937, C>G. VCF-style: chr5-112839937-C-G. GRCh37 (hg19) VCF-style: chr5-112175634-C-G.
Other names: c.4343C>G, p.Thr1448Ser (NM_001127510.3, NM_001354895.2); c.4289C>G, p.Thr1430Ser (NM_001127511.3); c.4397C>G, p.Thr1466Ser (NM_001354896.2); c.4373C>G, p.Thr1458Ser (NM_001354897.2); c.4268C>G, p.Thr1423Ser (NM_001354898.2); c.4259C>G, p.Thr1420Ser (NM_001354899.2); c.4220C>G, p.Thr1407Ser (NM_001354900.2); c.4166C>G, p.Thr1389Ser (NM_001354901.2); and 6 more; short protein forms T1165S, T1389S, T1407S, T1423S, T1448S, T1458S, T1288S, T1322S.
Identifiers: ClinVar variation 1036481 (VCV001036481.12), dbSNP rs907886109, ClinGen allele CA16030847.

ClinVar aggregate classification (germline): Uncertain significance. Review status: criteria provided, multiple submitters, no conflicts (2 of 4 stars). 3 submissions from 3 submitters: Uncertain significance (3). Last evaluated 2026-05-16.

Conditions:
Classic or attenuated familial adenomatous polyposis. Identifiers: MedGen CN372698, MONDO:0021057.
Hereditary cancer-predisposing syndrome. Also called: Hereditary neoplastic syndrome; Neoplastic Syndromes, Hereditary; Tumor predisposition; Hereditary Cancer Syndrome. Identifiers: Orphanet 140162, MedGen C0027672, MeSH D009386, MONDO:0015356.
Familial adenomatous polyposis 1 (FAP1). Also called: FAMILIAL ADENOMATOUS POLYPOSIS 1, ATTENUATED; POLYPOSIS, ADENOMATOUS INTESTINAL. Identifiers: MedGen C2713442, MONDO:0021056, OMIM 175100. Disease mechanism: loss of function.

Submissions (3):

Ambry Genetics
Classification: Uncertain significance for Hereditary cancer-predisposing syndrome. Last evaluated: 2026-05-16. Review status: criteria provided, single submitter. Criteria: Ambry Variant Classification Scheme 2023. Collection method: clinical testing. Allele origin: germline.
Comment: The p.T1448S variant (also known as c.4343C>G), located in coding exon 15 of the APC gene, results from a C to G substitution at nucleotide position 4343. The threonine at codon 1448 is replaced by serine, an amino acid with similar properties. This amino acid position is not well conserved in available vertebrate species. In addition, in silico predictors for this gene do not accurately predict pathogenicity. Missense variants in APC are not a common cause of disease (Spier I et al. Genet Med. 2024 Feb;26(2):100992). Based on the available evidence, the clinical significance of this variant remains unclear.

Labcorp Genetics (formerly Invitae), Labcorp
Classification: Uncertain significance for Familial adenomatous polyposis 1. Last evaluated: 2024-06-23. Review status: criteria provided, single submitter. Criteria: Invitae Variant Classification Sherloc (09022015). Collection method: clinical testing. Allele origin: germline.
Comment: This sequence change replaces threonine, which is neutral and polar, with serine, which is neutral and polar, at codon 1448 of the APC protein (p.Thr1448Ser). This variant is not present in population databases (gnomAD no frequency). This variant has not been reported in the literature in individuals affected with APC-related conditions. ClinVar contains an entry for this variant (Variation ID: 1036481). Advanced modeling of protein sequence and biophysical properties (such as structural, functional, and spatial information, amino acid conservation, physicochemical variation, residue mobility, and thermodynamic stability) performed at Invitae indicates that this missense variant is not expected to disrupt APC protein function with a negative predictive value of 95%. In summary, the available evidence is currently insufficient to determine the role of this variant in disease. Therefore, it has been classified as a Variant of Uncertain Significance.

All of Us Research Program, National Institutes of Health
Classification: Uncertain significance for Classic or attenuated familial adenomatous polyposis. Last evaluated: 2023-03-07. Review status: criteria provided, single submitter. Criteria: ACMG Guidelines, 2015. Collection method: clinical testing. Allele origin: germline. Inheritance: Autosomal dominant inheritance. Observed: 1 variant allele, 1 heterozygote.
Comment: This missense variant replaces threonine with serine at codon 1448 of the APC protein. Computational prediction suggests that this variant may not impact protein structure and function (internally defined REVEL score threshold <= 0.5, PMID: 27666373). To our knowledge, functional studies have not been reported for this variant. This variant has not been reported in individuals affected with APC-related disorders in the literature. This variant has not been identified in the general population by the Genome Aggregation Database (gnomAD). The available evidence is insufficient to determine the role of this variant in disease conclusively. Therefore, this variant is classified as a Variant of Uncertain Significance.

This study involves interpretation of variants in research participants for the purpose of population health screening. Participant phenotype was not available at the time of variant classification. Additional details can be found in publication PMID: 35346344, PMCID: PMC8962531